The following is an entry in ClinVar:

ClinVar aggregate classification (germline): Pathogenic (1 of 4 stars; one submission).

Conditions:
Hereditary cancer-predisposing syndrome. Also called: Neoplastic Syndromes, Hereditary; Tumor predisposition; Hereditary Cancer Syndrome; Hereditary neoplastic syndrome. Identifiers: Orphanet 140162, MedGen C0027672, MeSH D009386, MONDO:0015356.

Submission:

Ambry Genetics
Classification: Pathogenic for Hereditary cancer-predisposing syndrome. Last evaluated: 2026-05-20. Review status: criteria provided, single submitter. Criteria: Ambry Variant Classification Scheme 2023. Collection method: clinical testing. Allele origin: germline.
Comment: The c.168_169dupCC pathogenic mutation, located in coding exon 1 of the CDKN1B gene, results from a duplication of CC at nucleotide position 168, causing a translational frameshift with a predicted alternate stop codon (p.Q57Pfs*15). This variant is considered to be rare based on population cohorts in the Genome Aggregation Database (gnomAD). This alteration is expected to result in loss of function by premature protein truncation or nonsense-mediated mRNA decay. As such, this alteration is interpreted as a disease-causing mutation.

NM_004064.5(CDKN1B):c.168_169dup (p.Gln57fs)

Gene: CDKN1B (cyclin dependent kinase inhibitor 1B; plus strand). Cytogenetic location: 12p13.1.
Variant type: Duplication.
Coding change: c.168_169dup on transcript NM_004064.5 (MANE Select); coding-DNA positions 168 to 169, 2 bases duplicated (CC; older notation c.168_169dupCC).
Protein change: p.Gln57fs; shifts the reading frame from glutamine 57.
Molecular consequence: frameshift variant.
Genome position (GRCh38, 1-based): chr12:12,718,007-12,718,008, CC duplicated. VCF-style (leftmost placement, unchanged base first): chr12-12718006-G-GCC. GRCh37 (hg19) VCF-style: chr12-12870940-G-GCC.
Other names: short protein forms Q57fs.
Identifiers: ClinVar variation 4868631 (VCV004868631.1).
Genomic context (GRCh38, chr12:12,718,006, plus strand): 5'-TGGACCACGAAGAGTTAACCCGGGACTTGGAGAAGCACTGCAGAGACATGGAAGAGGCGA[G>GCC]CCAGCGCAAGTGGAATTTCGATTTTCAGAATCACAAACCCCTAGAGGGCAAGTACGAGTG-3'